The following continues an entry in ClinVar:

NM_000059.4(BRCA2):c.5722_5723del (p.Leu1908fs)

Gene: BRCA2. ClinVar aggregate classification (germline): Pathogenic. Pathogenic (1).

Submissions 33 to 50 of 50:

Clinical Genetics and Genomics, Karolinska University Hospital
Classification: Pathogenic. Last evaluated: 2019-04-18. Review status: criteria provided, single submitter. Criteria: ACMG Guidelines, 2015. Collection method: clinical testing. Allele origin: germline. Affected: yes. Observed: 2 variant alleles. Not counted in ClinVar's aggregate classification.

Human Genome Sequencing Center Clinical Lab, Baylor College of Medicine
Classification: Pathogenic for Familial breast-ovarian cancer 2. Last evaluated: 2018-10-12. Review status: criteria provided, single submitter. Criteria: ACMG Guidelines, 2015. Collection method: clinical testing. Allele origin: germline. Not counted in ClinVar's aggregate classification.
Comment: This c.5722_5723del (p.Leu1908Argfs*2) variant in the BRCA2 gene is predicted to introduce a premature translation termination codon. This variant has been reported in multiple unrelated individuals with breast cancer or ovarian cancer (PMID 8524414, 20927582, 21324516, 24010542, 25863477, 27553291), pancreatic cancer (PMID 25940717) and prostate cancer (PMID 20736950). This variant is extremely rare in general population database. Therefore, this c.5722_5723del (p.Leu1908Argfs*2) variant in the BRCA2 gene is classified as pathogenic.

Consortium of Investigators of Modifiers of BRCA1/2 (CIMBA), c/o University of Cambridge
Classification: Pathogenic for Breast-ovarian cancer, familial, susceptibility to, 2. Last evaluated: 2015-10-02. Review status: criteria provided, single submitter. Criteria: CIMBA Mutation Classification guidelines May 2016. Collection method: clinical testing. Allele origin: germline. Not counted in ClinVar's aggregate classification.

Department of Medical Genetics, Oslo University Hospital
Classification: Pathogenic for Breast-ovarian cancer, familial, susceptibility to, 2. Last evaluated: 2015-07-01. Review status: criteria provided, single submitter. Criteria: ACMG Guidelines, 2015. Collection method: clinical testing. Allele origin: germline. Affected: yes. Observed: 23 variant alleles. Not counted in ClinVar's aggregate classification.

Eurofins Ntd Llc (ga)
Classification: Pathogenic. Last evaluated: 2015-05-04. Review status: criteria provided, single submitter. Criteria: EGL Classification Definitions 2015. Collection method: clinical testing. Allele origin: germline. Observed: 2 variant alleles, 2 heterozygotes. Not counted in ClinVar's aggregate classification.

Molecular Genetics Laboratory, University of Michigan
Classification: Pathogenic for Breast-ovarian cancer, familial, susceptibility to, 2. Last evaluated: 2014-11-03. Review status: criteria provided, single submitter. Criteria: ACMG Guidelines, 2015. Collection method: clinical testing. Allele origin: germline. Affected: yes. Not counted in ClinVar's aggregate classification.

Juno Genomics, Hangzhou Juno Genomics, Inc
Classification: Pathogenic for Familial cancer of breast; Breast-ovarian cancer, familial, susceptibility to, 2; Glioma susceptibility 3; Medulloblastoma; Pancreatic cancer, susceptibility to, 2; Familial prostate cancer; Fanconi anemia complementation group D1; Wilms tumor 1. Review status: criteria provided, single submitter. Criteria: ACMG Guidelines, 2015. Collection method: clinical testing. Allele origin: germline. Not counted in ClinVar's aggregate classification.
Comment: Null variant in a gene where loss of function (LOF) is a known mechanism of disease.;Novel missense change at an amino acid residue where a different missense change determined to be pathogenic has been seen before.

University of Science and Technology Houari Boumediene, Laboratory of Molecular and Cellular Biology (LBCM)
Classification: Pathogenic for Breast-ovarian cancer, familial, susceptibility to, 2. Review status: criteria provided, single submitter. Criteria: ACMG Guidelines, 2015. Collection method: clinical testing. Allele origin: germline. Inheritance: Autosomal dominant inheritance. Affected: yes. Observed: 1 heterozygote. Not counted in ClinVar's aggregate classification.

BRCAlab, Lund University
Classification: Pathogenic for Breast-ovarian cancer, familial, susceptibility to, 2. Last evaluated: 2022-08-26. Review status: no assertion criteria provided. Collection method: clinical testing. Allele origin: germline. Affected: yes. Not counted in ClinVar's aggregate classification.

Laboratory for Genotyping Development, RIKEN
Classification: Pathogenic for Gastric cancer. Last evaluated: 2021-07-01. Review status: no assertion criteria provided. Collection method: research. Allele origin: germline. Not counted in ClinVar's aggregate classification.

Counsyl
Classification: Pathogenic for Breast-ovarian cancer, familial, susceptibility to, 2. Last evaluated: 2015-05-27. Review status: no assertion criteria provided. Collection method: clinical testing. Allele origin: unknown. Not counted in ClinVar's aggregate classification.

Foulkes Cancer Genetics LDI, Lady Davis Institute for Medical Research
Classification: Pathogenic for Breast and/or ovarian cancer. Last evaluated: 2015-05-15. Review status: no assertion criteria provided. Collection method: clinical testing. Allele origin: germline. Study: The Canadian Open Genetics Repository (COGR). Not counted in ClinVar's aggregate classification.

Research Molecular Genetics Laboratory, Women's College Hospital, University of Toronto
Classification: Pathogenic for Hereditary breast ovarian cancer syndrome. Last evaluated: 2014-01-31. Review status: no assertion criteria provided. Collection method: research. Allele origin: germline. Affected: yes. Study: The Canadian Open Genetics Repository (COGR). Not counted in ClinVar's aggregate classification.

Sharing Clinical Reports Project (SCRP)
Classification: Pathogenic for Breast-ovarian cancer, familial 2. Last evaluated: 2013-03-28. Review status: no assertion criteria provided. Collection method: clinical testing. Allele origin: germline. Not counted in ClinVar's aggregate classification.

Breast Cancer Information Core (BIC) (BRCA2)
Classification: Pathogenic for Breast-ovarian cancer, familial 2. Last evaluated: 2002-05-29. Review status: no assertion criteria provided. Collection method: clinical testing. Allele origin: germline, somatic, unknown. Affected: yes. Observed: 45 variant alleles. Not counted in ClinVar's aggregate classification.

OMIM
Classification: Pathogenic for BREAST-OVARIAN CANCER, FAMILIAL, SUSCEPTIBILITY TO, 2. Last evaluated: 1995-12-21. Review status: no assertion criteria provided. Collection method: literature only. Allele origin: germline. Not counted in ClinVar's aggregate classification.

Center for Precision Medicine, Meizhou People's Hospital
Classification: Pathogenic for Familial cancer of breast. Review status: no assertion criteria provided. Collection method: literature only. Allele origin: germline. Affected: yes. Not counted in ClinVar's aggregate classification.

Department of Pathology and Laboratory Medicine, Sinai Health System
Classification: Pathogenic. Review status: no assertion criteria provided. Collection method: clinical testing. Allele origin: unknown. Affected: yes. Observed: 6 variant alleles. Study: The Canadian Open Genetics Repository (COGR). Not counted in ClinVar's aggregate classification.
Comment: The p.Leu1908ArgfsX2 deletion variant has been previously reported in the literature in at least 4 of 3460 proband chromosomes in individuals with hereditary breast, ovarian or pancreatic cancer and was shown to segregate with disease in one family (Selected publications: Edwards 2010, Heidemann 2012, Kwong 2009, Zhang 2011). In addition, it was reported 17x in the UMD database as causal and 42X in the BIC database as having clinical importance. This DNA alteration leads to a premature stop codon at position 1908, which is predicted to lead to a truncated or absent protein and loss of function. Loss of function variants of the BRCA2 gene are an established mechanism of disease in hereditary breast and ovarian cancer. In summary, this variant is classified as pathogenic.

Literature cited by the submitters: PubMed 20104584 (cited by 3 submitters); PubMed 8524414 (cited by 7 submitters); PubMed 20736950 (cited by 6 submitters); PubMed 20927582 (cited by 4 submitters); PubMed 21324516 (cited by 8 submitters); PubMed 22535016 (cited by 3 submitters); PubMed 23028338 (cited by 6 submitters); PubMed 24963353 (cited by 4 submitters); PubMed 25940717 (cited by 6 submitters); PubMed 27553291 (cited by 5 submitters); PubMed 30940775 (cited by 3 submitters); PubMed 20683152 (cited by 7 submitters); PubMed 24010542 (cited by 3 submitters); PubMed 25136594 (cited by 3 submitters); PubMed 25863477 (cited by 3 submitters); PubMed 26026974 (cited by 3 submitters); PubMed 27989354 (cited by Ambry Genetics and Sema4); PubMed 28724667 (cited by 3 submitters); PubMed 29470806 (cited by 4 submitters); PubMed 30287823 (cited by 3 submitters); PubMed 30720863 (cited by Ambry Genetics and Quest Diagnostics Nichols Institute San Juan Capistrano); PubMed 31577767 (cited by Ambry Genetics and Quest Diagnostics Nichols Institute San Juan Capistrano); PubMed 31742824 (cited by Ambry Genetics); PubMed 32341426 (cited by Ambry Genetics and Quest Diagnostics Nichols Institute San Juan Capistrano); PubMed 34290354 (cited by Ambry Genetics and Quest Diagnostics Nichols Institute San Juan Capistrano); PubMed 19353265 (cited by 4 submitters); PubMed 15994883 (cited by Victorian Clinical Genetics Services, Murdoch Childrens Research Institute); PubMed 20301425 (cited by Victorian Clinical Genetics Services, Murdoch Childrens Research Institute); PubMed 14559878 (cited by Victorian Clinical Genetics Services, Murdoch Childrens Research Institute); PubMed 23633455 (cited by GeneKor MSA); PubMed 8705994 (cited by GeneKor MSA); PubMed 22160602 (cited by GeneKor MSA); PubMed 22217648 (cited by GeneKor MSA); PubMed 8665505 (cited by All of Us Research Program, National Institutes of Health and Color Diagnostics, LLC DBA Color Health); PubMed 11802209 (cited by 3 submitters); PubMed 14647210 (cited by 3 submitters); PubMed 15340362 (cited by 3 submitters); PubMed 16234499 (cited by 4 submitters); PubMed 31214711 (cited by All of Us Research Program, National Institutes of Health and Color Diagnostics, LLC DBA Color Health); PubMed 33471991 (cited by 4 submitters); PubMed 26295337 (cited by Quest Diagnostics Nichols Institute San Juan Capistrano); PubMed 16324400 (cited by Laboratory for Molecular Medicine, Mass General Brigham Personalized Medicine); PubMed 29446198 (cited by 4 submitters); PubMed 34026625 (cited by Sema4); PubMed 22798144 (cited by Women's Health and Genetics/Laboratory Corporation of America, LabCorp and Center for Precision Medicine, Meizhou People's Hospital); PubMed 17148771 (cited by Women's Health and Genetics/Laboratory Corporation of America, LabCorp); PubMed 23697973 (cited by University of Science and Technology Houari Boumediene, Laboratory of Molecular and Cellular Biology (LBCM)); PubMed 36988593 (cited by Laboratory for Genotyping Development, RIKEN).